The following is an entry in ClinVar:

NM_016277.5(RAB23):c.208del (p.Glu70fs)

Gene: RAB23 (RAB23, member RAS oncogene family; minus strand). Cytogenetic location: 6p11.2.
Variant type: Deletion.
Coding change: c.208del on transcript NM_016277.5 (MANE Select); coding-DNA position 208, one base deleted (G; older notation c.208delG).
Protein change: p.Glu70fs; shifts the reading frame from glutamic acid 70.
Molecular consequence: frameshift variant.
Genome position (GRCh38, 1-based): chr6:57,207,661, C deleted on the plus strand (G on the coding strand, the reverse complement: RAB23 is on the minus strand); the first of 2 consecutive C bases (chr6:57,207,661-57,207,662); deleting either gives the same sequence. VCF-style (leftmost placement, unchanged base first): chr6-57207660-TC-T. GRCh37 (hg19) VCF-style: chr6-57072458-TC-T.
Other names: c.208del, p.Glu70fs (NM_001278666.2, NM_001278667.2, NM_001278668.2 and 1 more transcripts); short protein forms E70fs.
Identifiers: ClinVar variation 3764578 (VCV003764578.1).

ClinVar aggregate classification (germline): Pathogenic (1 of 4 stars; one submission).

Conditions:
RAB23-related Carpenter syndrome. Also called: ACPS II; Carpenter syndrome 1. Identifiers: Orphanet 65759, MedGen C4551510, MONDO:0008710, OMIM 201000.

Submission:

Daryl Scott Lab, Baylor College of Medicine
Classification: Pathogenic for RAB23-related Carpenter syndrome. Last evaluated: 2024-01-01. Review status: criteria provided, single submitter. Criteria: ACMG Guidelines, 2015. Collection method: clinical testing. Allele origin: maternal. Observed: 1 heterozygote.
Comment: PVS1, PM2